The following is an entry in ClinVar:

ClinVar aggregate classification (germline): Likely benign (1 of 4 stars; one submission).

Conditions:
LRRC45-related disorder. Also called: LRRC45-related condition.

gnomAD v4.1: 173 of 1,534,382 alleles (0.011%); highest among the groups gnomAD compares: Non-Finnish European, 0.015%; 1 homozygote.

Submission:

PreventionGenetics, part of Exact Sciences
Classification: Likely benign for LRRC45-related condition. Last evaluated: 2024-11-25. Review status: criteria provided, single submitter. Criteria: ACMG Guidelines, 2015. Collection method: clinical testing. Allele origin: germline.
Comment: This variant is classified as likely benign based on ACMG/AMP sequence variant interpretation guidelines (Richards et al. 2015 PMID: 25741868, with internal and published modifications).

NM_144999.4(LRRC45):c.1668+4G>T

Gene: LRRC45 (leucine rich repeat containing 45; plus strand). Cytogenetic location: 17q25.3.
Variant type: single nucleotide variant.
Coding change: c.1668+4G>T on transcript NM_144999.4 (MANE Select); 4 bases into the intron after coding-DNA position 1668, G replaced by T.
Molecular consequence: intron variant.
Genome position (GRCh38, 1-based): chr17:82,030,242, G>T. VCF-style: chr17-82030242-G-T. GRCh37 (hg19) VCF-style: chr17-79988118-G-T.
Identifiers: ClinVar variation 4978925 (VCV004978925.1).
Genomic context (GRCh38, chr17:82,030,242, plus strand): 5'-AGCCAGCTGGGCCTGCAAGTTGAGGGCCTGCGGCGGCGCCTGGAAGAGCTGCAGCAGGTA[G>T]GCGGGGCTCCGGTGGGGGGCCCCGGGCGTGCTAGCCCCCAACCCTCGCCTCACTCCCCAG-3'